The following is an entry in ClinVar:

NM_003816.3(ADAM9):c.1100C>T (p.Ala367Val)

Gene: ADAM9 (ADAM metallopeptidase domain 9; plus strand). Cytogenetic location: 8p11.22.
Variant type: single nucleotide variant.
Coding change: c.1100C>T on transcript NM_003816.3 (MANE Select); coding-DNA position 1100, C replaced by T.
Protein change: p.Ala367Val; replaces alanine 367 with valine.
Molecular consequence: missense variant. On other transcripts: non-coding transcript variant (3).
Genome position (GRCh38, 1-based): chr8:39,026,780, C>T. VCF-style: chr8-39026780-C-T. GRCh37 (hg19) VCF-style: chr8-38884299-C-T.
Other names: short protein forms A367V.
Identifiers: ClinVar variation 1008688 (VCV001008688.5), dbSNP rs781504873, ClinGen allele CA370754791.
Genomic context (GRCh38, chr8:39,026,780, plus strand): 5'-ATGAATTGGGTCATAATCTTGGAATGAATCACGATGATGGGAGAGATTGTTCCTGTGGAG[C>T]AAAGAGCTGCATCATGAATTCAGGAGCATCGTGAGTACCTGGGTTCTTCTTCTCCTTTAT-3'
Protein context (NP_003807.1, residues 357-377): HDDGRDCSCG[Ala367Val]KSCIMNSGAS

ClinVar aggregate classification (germline): Uncertain significance (1 of 4 stars; one submission).

gnomAD v4.1: 1 of 1,613,864 alleles (0.000062%); no homozygotes.

Submission:

Labcorp Genetics (formerly Invitae), Labcorp
Classification: Uncertain significance. Last evaluated: 2022-10-04. Review status: criteria provided, single submitter. Criteria: Invitae Variant Classification Sherloc (09022015). Collection method: clinical testing. Allele origin: germline.
Comment: In summary, the available evidence is currently insufficient to determine the role of this variant in disease. Therefore, it has been classified as a Variant of Uncertain Significance. Advanced modeling of protein sequence and biophysical properties (such as structural, functional, and spatial information, amino acid conservation, physicochemical variation, residue mobility, and thermodynamic stability) performed at Invitae indicates that this missense variant is not expected to disrupt ADAM9 protein function. ClinVar contains an entry for this variant (Variation ID: 1008688). This variant has not been reported in the literature in individuals affected with ADAM9-related conditions. This variant is not present in population databases (gnomAD no frequency). This sequence change replaces alanine, which is neutral and non-polar, with valine, which is neutral and non-polar, at codon 367 of the ADAM9 protein (p.Ala367Val).